The following is an entry in ClinVar:

ClinVar aggregate classification (germline): Uncertain significance (1 of 4 stars; one submission).

Allele frequency attached by ClinVar (database versions not stated): gnomAD 0.00001; gnomAD exomes 0.00001; ExAC 0.00002.
gnomAD v4.1: 16 of 1,613,836 alleles (0.00099%); highest among the groups gnomAD compares: Middle Eastern, 0.016%; no homozygotes.

Submission:

Labcorp Genetics (formerly Invitae), Labcorp
Classification: Uncertain significance. Last evaluated: 2024-10-15. Review status: criteria provided, single submitter. Criteria: Invitae Variant Classification Sherloc (09022015). Collection method: clinical testing. Allele origin: germline.
Comment: This sequence change replaces alanine, which is neutral and non-polar, with threonine, which is neutral and polar, at codon 242 of the TTC19 protein (p.Ala242Thr). This variant is present in population databases (rs762239880, gnomAD 0.006%). This variant has not been reported in the literature in individuals affected with TTC19-related conditions. ClinVar contains an entry for this variant (Variation ID: 2415764). Invitae Evidence Modeling of protein sequence and biophysical properties (such as structural, functional, and spatial information, amino acid conservation, physicochemical variation, residue mobility, and thermodynamic stability) indicates that this missense variant is not expected to disrupt TTC19 protein function with a negative predictive value of 80%. In summary, the available evidence is currently insufficient to determine the role of this variant in disease. Therefore, it has been classified as a Variant of Uncertain Significance.

NM_017775.4(TTC19):c.724G>A (p.Ala242Thr)

Gene: TTC19 (tetratricopeptide repeat domain 19; plus strand). Cytogenetic location: 17p12.
Variant type: single nucleotide variant.
Coding change: c.724G>A on transcript NM_017775.4 (MANE Select); coding-DNA position 724, G replaced by A.
Protein change: p.Ala242Thr; replaces alanine 242 with threonine.
Molecular consequence: missense variant.
Genome position (GRCh38, 1-based): chr17:16,025,064, G>A. VCF-style: chr17-16025064-G-A. GRCh37 (hg19) VCF-style: chr17-15928378-G-A.
Other names: c.403G>A, p.Ala135Thr (NM_001271420.2); short protein forms A135T, A242T.
Identifiers: ClinVar variation 2415764 (VCV002415764.6), dbSNP rs762239880, ClinGen allele CA8407506.